The following is an entry in ClinVar:

ClinVar aggregate classification (germline): Conflicting classifications of pathogenicity. Review status: criteria provided, conflicting classifications (1 of 4 stars). 6 submissions from 2 submitters: Uncertain significance (4); Benign (1); Likely benign (1). Last evaluated 2023-06-15.

Conditions:
Early-onset myopathy with fatal cardiomyopathy (CMYO5). Also called: CONGENITAL MYOPATHY 5 WITH CARDIOMYOPATHY; Salih Myopathy. Identifiers: Orphanet 289377, MedGen C2673677, MONDO:0012714, OMIM 611705. Disease mechanism: loss of function.
Myopathy, myofibrillar, 9, with early respiratory failure (MFM9). Also called: EDSTROM MYOPATHY; MYOPATHY, PROXIMAL, WITH EARLY RESPIRATORY MUSCLE INVOLVEMENT; Myopathy, distal, with early respiratory failure, autosomal dominant; Hereditary myopathy with early respiratory failure. Identifiers: Orphanet 178464, Orphanet 34521, MedGen C1863599, MONDO:0011362, OMIM 603689.
Autosomal recessive limb-girdle muscular dystrophy type 2J (LGMDR10). Also called: Limb-girdle muscular dystrophy, type 2J; MUSCULAR DYSTROPHY, LIMB-GIRDLE, AUTOSOMAL RECESSIVE 10. Identifiers: Orphanet 140922, MedGen C1837342, MONDO:0012127, OMIM 608807.
Tibial muscular dystrophy (TMD). Also called: Tibial muscular dystrophy, tardive; UDD MYOPATHY; Udd Distal Myopathy – Tibial Muscular Dystrophy. Identifiers: Orphanet 609, MedGen C1838244, MONDO:0010870, OMIM 600334.
Dilated cardiomyopathy 1G (CMD1G). Identifiers: Orphanet 154, MedGen C1858763, MONDO:0011400, OMIM 604145.

Allele frequency attached by ClinVar (database versions not stated): ExAC 0.00003; gnomAD 0.00001; TOPMed 0.00001; gnomAD exomes 0.00002.
gnomAD v4.1: 24 of 1,612,920 alleles (0.0015%); highest among the groups gnomAD compares: Admixed American, 0.0067%; no homozygotes.

Submissions (6):

ARUP Laboratories, Molecular Genetics and Genomics, ARUP Laboratories
Classification: Uncertain significance. Last evaluated: 2023-06-15. Review status: criteria provided, single submitter. Criteria: ARUP Molecular Germline Variant Investigation Process 2024. Collection method: clinical testing. Allele origin: germline.
Comment: The TTN c.53095C>T; p.Arg17699Cys variant (rs760963888; ClinVar Variation ID: 892789) is rare in the general population (<0.2% allele frequency in the Genome Aggregation Database) and has not been reported in the medical literature in association with dilated cardiomyopathy (DCM) or other TTN-related disease. The clinical relevance of rare missense variants in this gene, which are identified on average once per individual sequenced in affected populations (Herman 2012), is not well understood. Yet, evidence suggests that the vast majority of such missense variants do not contribute to the clinical outcome of DCM (Begay 2015). Thus, the clinical significance of the p.Arg17699Cys variant cannot be determined with certainty. References: Begay RL et al. Role of Titin Missense Variants in Dilated Cardiomyopathy. J Am Heart Assoc. 2015 Nov 13;4(11). PMID: 26567375. Herman DS et al. Truncations of titin causing dilated cardiomyopathy. N Engl J Med. 2012 Feb 16;366(7):619-28. PMID: 22335739. Linke WA and Hamdani N. Gigantic business: titin properties and function through thick and thin. Circ Res 2014; 114(6): 1052-1068. PMID: 24625729.

Illumina Laboratory Services, Illumina
Classification: Benign for Tibial muscular dystrophy. Last evaluated: 2018-01-13. Review status: criteria provided, single submitter. Criteria: ICSL Variant Classification Criteria 13 December 2019. Collection method: clinical testing. Allele origin: germline.
Comment: This variant was observed in the ICSL laboratory as part of a predisposition screen in an ostensibly healthy population. It had not been previously curated by ICSL or reported in the Human Gene Mutation Database (HGMD: prior to June 1st, 2018), and was therefore a candidate for classification through an automated scoring system. Utilizing variant allele frequency, disease prevalence and penetrance estimates, and inheritance mode, an automated score was calculated to assess if this variant is too frequent to cause the disease. Based on the score and internal cut-off values, a variant classified as benign is not then subjected to further curation. The score for this variant resulted in a classification of benign for this disease.

Illumina Laboratory Services, Illumina
Classification: Uncertain significance for Early-onset myopathy with fatal cardiomyopathy. Last evaluated: 2018-01-13. Review status: criteria provided, single submitter. Criteria: ICSL Variant Classification Criteria 13 December 2019. Collection method: clinical testing. Allele origin: germline.

Illumina Laboratory Services, Illumina
Classification: Uncertain significance for Dilated cardiomyopathy 1G. Last evaluated: 2018-01-13. Review status: criteria provided, single submitter. Criteria: ICSL Variant Classification Criteria 13 December 2019. Collection method: clinical testing. Allele origin: germline.

Illumina Laboratory Services, Illumina
Classification: Uncertain significance for Autosomal recessive limb-girdle muscular dystrophy type 2J. Last evaluated: 2018-01-13. Review status: criteria provided, single submitter. Criteria: ICSL Variant Classification Criteria 13 December 2019. Collection method: clinical testing. Allele origin: germline.

Illumina Laboratory Services, Illumina
Classification: Likely benign for Myopathy, myofibrillar, 9, with early respiratory failure. Last evaluated: 2018-01-13. Review status: criteria provided, single submitter. Criteria: ICSL Variant Classification Criteria 13 December 2019. Collection method: clinical testing. Allele origin: germline.
Comment: This variant was observed in the ICSL laboratory as part of a predisposition screen in an ostensibly healthy population. It had not been previously curated by ICSL or reported in the Human Gene Mutation Database (HGMD: prior to June 1st, 2018), and was therefore a candidate for classification through an automated scoring system. Utilizing variant allele frequency, disease prevalence and penetrance estimates, and inheritance mode, an automated score was calculated to assess if this variant is too frequent to cause the disease. Based on the score and internal cut-off values, a variant classified as likely benign is not then subjected to further curation. The score for this variant resulted in a classification of likely benign for this disease.

NM_001267550.2(TTN):c.53095C>T (p.Arg17699Cys)

Genes: TTN (titin; minus strand), TTN-AS1 (TTN antisense RNA 1; plus strand), LOC126806425 (BRD4-independent group 4 enhancer GRCh37_chr2:179471933-179473132; plus strand). Cytogenetic location: 2q31.2.
Variant type: single nucleotide variant.
Coding change: c.53095C>T on transcript NM_001267550.2 (MANE Select); coding-DNA position 53095, C replaced by T.
Protein change: p.Arg17699Cys; replaces arginine 17699 with cysteine.
Molecular consequence: missense variant.
Genome position (GRCh38, 1-based): chr2:178,607,593, G>A on the plus strand (C>T on the coding strand, the complement: TTN is on the minus strand). VCF-style: chr2-178607593-G-A. GRCh37 (hg19) VCF-style: chr2-179472320-G-A.
Other names: c.48172C>T, p.Arg16058Cys (NM_001256850.1); c.25900C>T, p.Arg8634Cys (NM_003319.4); c.45391C>T, p.Arg15131Cys (NM_133378.4); c.26275C>T, p.Arg8759Cys (NM_133432.3); c.26476C>T, p.Arg8826Cys (NM_133437.4); short protein forms R17699C, R8634C, R16058C, R15131C, R8759C, R8826C.
Identifiers: ClinVar variation 892789 (VCV000892789.5), dbSNP rs760963888, ClinGen allele CA1993858.